The following is an entry in ClinVar:

ClinVar aggregate classification (germline): Uncertain significance. Review status: criteria provided, multiple submitters, no conflicts (2 of 4 stars). 5 submissions from 4 submitters: Uncertain significance (5). Last evaluated 2025-05-01.

Conditions:
Fibromatosis, gingival, 1 (GINGF1). Identifiers: Orphanet 2024, MedGen C4551558, MONDO:0007609, OMIM 135300.
Noonan syndrome 4 (NS4). Also called: NOONAN SYNDROME WITH PIGMENTED VILLONODULAR SYNOVITIS; SOS1-Related Noonan Syndrome. Identifiers: Orphanet 648, MedGen C1853120, MONDO:0012547, OMIM 610733.
Cardiovascular phenotype. Identifiers: MedGen CN230736.
RASopathy. Also called: rasopathies; Noonan spectrum disorder. Identifiers: Orphanet 536391, MedGen C5555857, MONDO:0021060.

Allele frequency attached by ClinVar (database versions not stated): gnomAD exomes below 0.00001; gnomAD 0.00001; TOPMed 0.00001.
gnomAD v4.1: 3 of 1,590,884 alleles (0.00019%); highest among the groups gnomAD compares: African/African-American, 0.0027%; no homozygotes.

Submissions (5):

Labcorp Genetics (formerly Invitae), Labcorp
Classification: Uncertain significance for RASopathy. Last evaluated: 2025-05-01. Review status: criteria provided, single submitter. Criteria: Invitae Variant Classification Sherloc (09022015). Collection method: clinical testing. Allele origin: germline.
Comment: This sequence change falls in intron 9 of the SOS1 gene. It does not directly change the encoded amino acid sequence of the SOS1 protein. It affects a nucleotide within the consensus splice site. This variant is not present in population databases (gnomAD no frequency). This variant has not been reported in the literature in individuals affected with SOS1-related conditions. ClinVar contains an entry for this variant (Variation ID: 928619). Variants that disrupt the consensus splice site are a relatively common cause of aberrant splicing (PMID: 17576681, 9536098). Algorithms developed to predict the effect of sequence changes on RNA splicing suggest that this variant is not likely to affect RNA splicing. In summary, the available evidence is currently insufficient to determine the role of this variant in disease. Therefore, it has been classified as a Variant of Uncertain Significance.

Ambry Genetics
Classification: Uncertain significance for Cardiovascular phenotype. Last evaluated: 2021-12-14. Review status: criteria provided, single submitter. Criteria: Ambry Variant Classification Scheme 2023. Collection method: clinical testing. Allele origin: germline.
Comment: The c.1202+3G>A intronic variant results from a G to A substitution 3 nucleotides after coding exon 9 in the SOS1 gene. This nucleotide position is not well conserved in available vertebrate species. In silico splice site analysis predicts that this alteration will not have any significant effect on splicing. Since supporting evidence is limited at this time, the clinical significance of this alteration remains unclear.

Women's Health and Genetics/Laboratory Corporation of America, LabCorp
Classification: Uncertain significance. Last evaluated: 2019-01-07. Review status: criteria provided, single submitter. Criteria: LabCorp Variant Classification Summary - May 2015. Collection method: clinical testing. Allele origin: germline.
Comment: Variant summary: SOS1 c.1202+3G>A alters a conserved nucleotide located close to a canonical splice site and therefore could affect mRNA splicing, leading to a significantly altered protein sequence. 5/5 computational tools predict no significant impact on normal splicing. However, these predictions have yet to be confirmed by functional studies. The variant was absent in 274746 control chromosomes. The available data on variant occurrences in the general population are insufficient to allow any conclusion about variant significance. To our knowledge, no occurrence of c.1202+3G>A in individuals affected with Noonan Syndrome and Related Conditions and no experimental evidence demonstrating its impact on protein function have been reported. No clinical diagnostic laboratories have submitted clinical-significance assessments for this variant to ClinVar after 2014. Based on the evidence outlined above, the variant was classified as uncertain significance.

Genome-Nilou Lab
Classification: Uncertain significance for Noonan syndrome 4. Review status: criteria provided, single submitter. Criteria: ACMG Guidelines, 2015. Collection method: clinical testing. Allele origin: germline.

Genome-Nilou Lab
Classification: Uncertain significance for Fibromatosis, gingival, 1. Review status: criteria provided, single submitter. Criteria: ACMG Guidelines, 2015. Collection method: clinical testing. Allele origin: germline.

Literature cited by the submitters: PubMed 17576681 (cited by Labcorp Genetics (formerly Invitae), Labcorp); PubMed 9536098 (cited by Labcorp Genetics (formerly Invitae), Labcorp).

NM_005633.4(SOS1):c.1202+3G>A

Gene: SOS1 (SOS Ras/Rac guanine nucleotide exchange factor 1; minus strand). Cytogenetic location: 2p22.1.
Variant type: single nucleotide variant.
Coding change: c.1202+3G>A on transcript NM_005633.4 (MANE Select); 3 bases into the intron after coding-DNA position 1202, G replaced by A.
Molecular consequence: intron variant.
Genome position (GRCh38, 1-based): chr2:39,024,007, C>T on the plus strand (G>A on the coding strand, the complement: SOS1 is on the minus strand). VCF-style: chr2-39024007-C-T. GRCh37 (hg19) VCF-style: chr2-39251148-C-T.
Other names: c.1181+3G>A (NM_001382394.1); c.1202+3G>A (NM_001382395.1).
Identifiers: ClinVar variation 928619 (VCV000928619.8), dbSNP rs904487658, ClinGen allele CA45675661.